The following is an entry in ClinVar:

NM_004366.6(CLCN2):c.1783T>G (p.Cys595Gly)

Gene: CLCN2 (chloride voltage-gated channel 2; minus strand). Cytogenetic location: 3q27.1.
Variant type: single nucleotide variant.
Coding change: c.1783T>G on transcript NM_004366.6 (MANE Select); coding-DNA position 1783, T replaced by G.
Protein change: p.Cys595Gly; replaces cysteine 595 with glycine.
Molecular consequence: missense variant.
Genome position (GRCh38, 1-based): chr3:184,353,734, A>C on the plus strand (T>G on the coding strand, the complement: CLCN2 is on the minus strand). VCF-style: chr3-184353734-A-C. GRCh37 (hg19) VCF-style: chr3-184071522-A-C.
Other names: c.1732T>G, p.Cys578Gly (NM_001171087.3); c.1651T>G, p.Cys551Gly (NM_001171088.3); c.1783T>G, p.Cys595Gly (NM_001171089.3); short protein forms C551G, C578G, C595G.
Identifiers: ClinVar variation 3675512 (VCV003675512.2).

ClinVar aggregate classification (germline): Uncertain significance (1 of 4 stars; one submission).

Submission:

Labcorp Genetics (formerly Invitae), Labcorp
Classification: Uncertain significance. Last evaluated: 2024-07-11. Review status: criteria provided, single submitter. Criteria: Invitae Variant Classification Sherloc (09022015). Collection method: clinical testing. Allele origin: germline.
Comment: This sequence change replaces cysteine, which is neutral and slightly polar, with glycine, which is neutral and non-polar, at codon 595 of the CLCN2 protein (p.Cys595Gly). This variant is not present in population databases (gnomAD no frequency). This variant has not been reported in the literature in individuals affected with CLCN2-related conditions. Advanced modeling of protein sequence and biophysical properties (such as structural, functional, and spatial information, amino acid conservation, physicochemical variation, residue mobility, and thermodynamic stability) performed at Invitae indicates that this missense variant is expected to disrupt CLCN2 protein function with a positive predictive value of 80%. In summary, the available evidence is currently insufficient to determine the role of this variant in disease. Therefore, it has been classified as a Variant of Uncertain Significance.